The following is an entry in ClinVar:

NM_014712.3(SETD1A):c.4233G>A (p.Pro1411=)

Gene: SETD1A (SET domain containing 1A, histone lysine methyltransferase; plus strand). Cytogenetic location: 16p11.2.
Variant type: single nucleotide variant.
Coding change: c.4233G>A on transcript NM_014712.3 (MANE Select); coding-DNA position 4233, G replaced by A.
Protein change: p.Pro1411=; no amino-acid change (proline 1411 retained).
Molecular consequence: synonymous variant.
Genome position (GRCh38, 1-based): chr16:30,980,019, G>A. VCF-style: chr16-30980019-G-A. GRCh37 (hg19) VCF-style: chr16-30991340-G-A.
Identifiers: ClinVar variation 2646456 (VCV002646456.25), dbSNP rs200234779, ClinGen allele CA8017495.

ClinVar aggregate classification (germline): Likely benign. Review status: criteria provided, multiple submitters, no conflicts (2 of 4 stars). 2 submissions from 2 submitters: Likely benign (2). Last evaluated 2025-12-01.

Allele frequency attached by ClinVar (database versions not stated): 1000 Genomes Project 0.00060; ESP Exome Variant Server 0.00062; ExAC 0.00156; gnomAD 0.00200.

Submissions (2):

CeGaT Center for Human Genetics Tuebingen
Classification: Likely benign. Last evaluated: 2025-12-01. Review status: criteria provided, single submitter. Criteria: CeGaT Center For Human Genetics Tuebingen Variant Classification Criteria Version 2. Collection method: clinical testing. Allele origin: germline. Affected: yes. Observed: 6 variant alleles.
Comment: SETD1A: BP4, BP7, BS1

Blueprint Genetics
Classification: Likely benign. Last evaluated: 2024-11-08. Review status: criteria provided, single submitter. Criteria: ACMG Guidelines, 2015. Collection method: clinical testing. Allele origin: germline.